The following is an entry in ClinVar:

NM_032444.4(SLX4):c.4258_4259dup (p.Ile1421fs)

Gene: SLX4 (SLX4 structure-specific endonuclease subunit; minus strand). Cytogenetic location: 16p13.3.
Variant type: Duplication.
Coding change: c.4258_4259dup on transcript NM_032444.4 (MANE Select); coding-DNA positions 4258 to 4259, 2 bases duplicated (CC; older notation c.4258_4259dupCC).
Protein change: p.Ile1421fs; shifts the reading frame from isoleucine 1421.
Molecular consequence: frameshift variant.
Genome position (GRCh38, 1-based): chr16:3,589,379-3,589,380, GG duplicated on the plus strand (CC on the coding strand, the reverse complement: SLX4 is on the minus strand); duplicating any 2 consecutive bases within chr16:3,589,379-3,589,384 gives the same sequence; the c. name uses the placement nearest the transcript's 3' end. VCF-style (leftmost placement, unchanged base first): chr16-3589378-T-TGG. GRCh37 (hg19) VCF-style: chr16-3639379-T-TGG.
Other names: short protein forms I1421fs.
Identifiers: ClinVar variation 1359745 (VCV001359745.6), dbSNP rs781663547, ClinGen allele CA2573152106.

ClinVar aggregate classification (germline): Pathogenic (1 of 4 stars; one submission).

Conditions:
Fanconi anemia (FA). Also called: Fanconi's anemia. Identifiers: Orphanet 84, MedGen C0015625, MeSH D005199, MONDO:0019391.

Submission:

Labcorp Genetics (formerly Invitae), Labcorp
Classification: Pathogenic for Fanconi anemia. Last evaluated: 2021-04-26. Review status: criteria provided, single submitter. Criteria: Invitae Variant Classification Sherloc (09022015). Collection method: clinical testing. Allele origin: germline.
Comment: For these reasons, this variant has been classified as Pathogenic. This variant has not been reported in the literature in individuals with SLX4-related conditions. This variant is not present in population databases (ExAC no frequency). This sequence change creates a premature translational stop signal (p.Ile1421Glnfs*30) in the SLX4 gene. It is expected to result in an absent or disrupted protein product. Loss-of-function variants in SLX4 are known to be pathogenic (PMID: 21240277).

Literature cited by the submitters: PubMed 21240277.